The following is an entry in ClinVar:

ClinVar aggregate classification (germline): Uncertain significance. Review status: criteria provided, multiple submitters, no conflicts (2 of 4 stars). 2 submissions from 2 submitters: Uncertain significance (2). Last evaluated 2024-12-30.

Conditions:
Inborn genetic diseases. Identifiers: MedGen C0950123, MeSH D030342.

gnomAD v4.1: 135 of 1,614,070 alleles (0.0084%); highest among the groups gnomAD compares: Admixed American, 0.012%; no homozygotes.

Submissions (2):

Ambry Genetics
Classification: Uncertain significance for Inborn genetic diseases. Last evaluated: 2024-12-30. Review status: criteria provided, single submitter. Criteria: Ambry Variant Classification Scheme 2023. Collection method: clinical testing. Allele origin: germline.

GeneDx
Classification: Uncertain significance. Last evaluated: 2024-04-11. Review status: criteria provided, single submitter. Criteria: GeneDx Variant Classification Process June 2021. Collection method: clinical testing. Allele origin: germline. Affected: yes.
Comment: In silico analysis indicates that this missense variant does not alter protein structure/function; Has not been previously published as pathogenic or benign to our knowledge

NM_145020.5(CFAP53):c.1409G>A (p.Arg470His)

Gene: CFAP53 (cilia and flagella associated protein 53; minus strand). Cytogenetic location: 18q21.1.
Variant type: single nucleotide variant.
Coding change: c.1409G>A on transcript NM_145020.5 (MANE Select); coding-DNA position 1409, G replaced by A.
Protein change: p.Arg470His; replaces arginine 470 with histidine.
Molecular consequence: missense variant.
Genome position (GRCh38, 1-based): chr18:50,227,517, C>T on the plus strand (G>A on the coding strand, the complement: CFAP53 is on the minus strand). VCF-style: chr18-50227517-C-T. GRCh37 (hg19) VCF-style: chr18-47753887-C-T.
Other names: short protein forms R470H.
Identifiers: ClinVar variation 3143545 (VCV003143545.3), dbSNP rs147186159, ClinGen allele CA8962107.